The following is an entry in ClinVar:

NM_032119.4(ADGRV1):c.12170C>T (p.Thr4057Ile)

Gene: ADGRV1 (adhesion G protein-coupled receptor V1; plus strand). Cytogenetic location: 5q14.3.
Variant type: single nucleotide variant.
Coding change: c.12170C>T on transcript NM_032119.4 (MANE Select); coding-DNA position 12170, C replaced by T.
Protein change: p.Thr4057Ile; replaces threonine 4057 with isoleucine.
Molecular consequence: missense variant. On other transcripts: non-coding transcript variant (1).
Genome position (GRCh38, 1-based): chr5:90,763,354, C>T. VCF-style: chr5-90763354-C-T. GRCh37 (hg19) VCF-style: chr5-90059171-C-T.
Other names: c.12170C>T (NM_032119.3); short protein forms T4057I.
Identifiers: ClinVar variation 1944339 (VCV001944339.4), dbSNP rs1756719950, ClinGen allele CA360377530.

ClinVar aggregate classification (germline): Uncertain significance. Review status: criteria provided, multiple submitters, no conflicts (2 of 4 stars). 3 submissions from 3 submitters: Uncertain significance (3). Last evaluated 2025-08-29.

Conditions:
Inborn genetic diseases. Identifiers: MedGen C0950123, MeSH D030342.

Allele frequency attached by ClinVar (database versions not stated): gnomAD exomes below 0.00001.
gnomAD v4.1: 2 of 1,611,636 alleles (0.00012%); highest among the groups gnomAD compares: South Asian, 0.0011%; no homozygotes.

Submissions (3):

Ambry Genetics
Classification: Uncertain significance for Inborn genetic diseases. Last evaluated: 2025-08-29. Review status: criteria provided, single submitter. Criteria: Ambry Variant Classification Scheme 2023. Collection method: clinical testing. Allele origin: germline.

Women's Health and Genetics/Laboratory Corporation of America, LabCorp
Classification: Uncertain significance. Last evaluated: 2024-11-06. Review status: criteria provided, single submitter. Criteria: LabCorp Variant Classification Summary - May 2015. Collection method: clinical testing. Allele origin: germline.
Comment: Variant summary: ADGRV1 c.12170C>T (p.Thr4057Ile) results in a non-conservative amino acid change located in the Domains in Na-Ca exchangers and integrin-beta4 domain (IPR003644) of the encoded protein sequence. Three of five in-silico tools predict a damaging effect of the variant on protein function. The variant was absent in 248656 control chromosomes. The available data on variant occurrences in the general population are insufficient to allow any conclusion about variant significance. To our knowledge, no occurrence of c.12170C>T in individuals affected with ADGRV1-Related Disorders and no experimental evidence demonstrating its impact on protein function have been reported. ClinVar contains an entry for this variant (Variation ID: 1944339). Based on the evidence outlined above, the variant was classified as uncertain significance.

Labcorp Genetics (formerly Invitae), Labcorp
Classification: Uncertain significance. Last evaluated: 2022-02-04. Review status: criteria provided, single submitter. Criteria: Invitae Variant Classification Sherloc (09022015). Collection method: clinical testing. Allele origin: germline.
Comment: This sequence change replaces threonine, which is neutral and polar, with isoleucine, which is neutral and non-polar, at codon 4057 of the ADGRV1 protein (p.Thr4057Ile). This variant is not present in population databases (gnomAD no frequency). This variant has not been reported in the literature in individuals affected with ADGRV1-related conditions. Algorithms developed to predict the effect of missense changes on protein structure and function are either unavailable or do not agree on the potential impact of this missense change (SIFT: "Tolerated"; PolyPhen-2: "Probably Damaging"; Align-GVGD: "Class C0"). In summary, the available evidence is currently insufficient to determine the role of this variant in disease. Therefore, it has been classified as a Variant of Uncertain Significance.